The following is an entry in ClinVar:

NM_000089.4(COL1A2):c.4078A>G (p.Ile1360Val)

Gene: COL1A2 (collagen type I alpha 2 chain; plus strand). Cytogenetic location: 7q21.3.
Variant type: single nucleotide variant.
Coding change: c.4078A>G on transcript NM_000089.4 (MANE Select); coding-DNA position 4078, A replaced by G.
Protein change: p.Ile1360Val; replaces isoleucine 1360 with valine.
Molecular consequence: missense variant.
Genome position (GRCh38, 1-based): chr7:94,430,370, A>G. VCF-style: chr7-94430370-A-G. GRCh37 (hg19) VCF-style: chr7-94059682-A-G.
Other names: short protein forms I1360V.
Identifiers: ClinVar variation 850188 (VCV000850188.14), dbSNP rs1281006993, ClinGen allele CA368227398.
Genomic context (GRCh38, chr7:94,430,370, plus strand): 5'-CCCTTCCTTGATATTGCACCTTTGGACATCGGTGGTGCTGACCAGGAATTCTTTGTGGAC[A>G]TTGGCCCAGTCTGTTTCAAATAAATGAACTCAATCTAAATTAAAAAAGAAAGAAATTTGA-3'
Protein context (NP_000080.2, residues 1350-1366): GGADQEFFVD[Ile1360Val]GPVCFK

ClinVar aggregate classification (germline): Uncertain significance. Review status: criteria provided, multiple submitters, no conflicts (2 of 4 stars). 3 submissions from 3 submitters: Uncertain significance (3). Last evaluated 2025-11-13.

Conditions:
Osteogenesis imperfecta type I (OI1). Also called: Lobstein's Disease; Classic Non-deforming Osteogenesis Imperfecta with Blue Sclerae; Lobstein disease; OI, TYPE I; OSTEOGENESIS IMPERFECTA TARDA; OSTEOGENESIS IMPERFECTA WITH BLUE SCLERAE. Identifiers: Orphanet 216796, Orphanet 666, MedGen C0023931, MONDO:0008146, OMIM 166200. Disease mechanism: loss of function.
Ehlers-Danlos syndrome, classic type, 1 (EDSCL1). Also called: Ehlers-Danlos syndrome, type 1; Ehlers-Danlos Syndrome, Classic Type, COL5A1-Related; EDS I; EHLERS-DANLOS SYNDROME, GRAVIS TYPE; EHLERS-DANLOS SYNDROME, SEVERE CLASSIC TYPE. Identifiers: MedGen C0268335, MONDO:0019567, OMIM 130000.

Allele frequency attached by ClinVar (database versions not stated): gnomAD 0.00001; gnomAD exomes below 0.00001; TOPMed 0.00002.
gnomAD v4.1: 7 of 1,613,978 alleles (0.00043%); highest among the groups gnomAD compares: Non-Finnish European, 0.00059%; no homozygotes.

Submissions (3):

Labcorp Genetics (formerly Invitae), Labcorp
Classification: Uncertain significance for Osteogenesis imperfecta type I; Ehlers-Danlos syndrome, classic type, 1. Last evaluated: 2025-11-13. Review status: criteria provided, single submitter. Criteria: Invitae Variant Classification Sherloc (09022015). Collection method: clinical testing. Allele origin: germline.
Comment: This sequence change replaces isoleucine, which is neutral and non-polar, with valine, which is neutral and non-polar, at codon 1360 of the COL1A2 protein (p.Ile1360Val). This variant is present in population databases (no rsID available, gnomAD 0.0009%). This missense change has been observed in individual(s) with osteogenesis imperfecta and clinical features of Ehlers-Danlos syndrome (PMID: 25146735; internal data). ClinVar contains an entry for this variant (Variation ID: 850188). Invitae Evidence Modeling of protein sequence and biophysical properties (such as structural, functional, and spatial information, amino acid conservation, physicochemical variation, residue mobility, and thermodynamic stability) indicates that this missense variant is not expected to disrupt COL1A2 protein function with a negative predictive value of 95%. In summary, the available evidence is currently insufficient to determine the role of this variant in disease. Therefore, it has been classified as a Variant of Uncertain Significance.

GeneDx
Classification: Uncertain significance. Last evaluated: 2019-07-03. Review status: criteria provided, single submitter. Criteria: GeneDx Variant Classification Process June 2021. Collection method: clinical testing. Allele origin: germline. Affected: yes.
Comment: In silico analysis, which includes protein predictors and evolutionary conservation, supports that this variant does not alter protein structure/function; Observed in a patient in the published literature with a possible diagnosis of osteogenesis imperfecta (Symoens et al., 2014); This variant is associated with the following publications: (PMID: 25146735)

Breakthrough Genomics
Classification: Uncertain significance. Review status: criteria provided, single submitter. Criteria: ACMG Guidelines, 2015. Collection method: not provided. Allele origin: germline. Inheritance: Autosomal recessive inheritance. Affected: yes.

Literature cited by the submitters: PubMed 25146735 (cited by Labcorp Genetics (formerly Invitae), Labcorp).